The following is an entry in ClinVar:

ClinVar aggregate classification (germline): Uncertain significance (1 of 4 stars; one submission).

Conditions:
EGFR-related lung cancer (EGFR). Identifiers: MedGen CN130014.

Submission:

Labcorp Genetics (formerly Invitae), Labcorp
Classification: Uncertain significance for EGFR-related lung cancer. Last evaluated: 2025-04-07. Review status: criteria provided, single submitter. Criteria: Invitae Variant Classification Sherloc (09022015). Collection method: clinical testing. Allele origin: germline.
Comment: This sequence change replaces glutamic acid, which is acidic and polar, with glycine, which is neutral and non-polar, at codon 561 of the EGFR protein (p.Glu561Gly). This variant is not present in population databases (gnomAD no frequency). This variant has not been reported in the literature in individuals affected with EGFR-related conditions. ClinVar contains an entry for this variant (Variation ID: 1438395). Invitae Evidence Modeling of protein sequence and biophysical properties (such as structural, functional, and spatial information, amino acid conservation, physicochemical variation, residue mobility, and thermodynamic stability) has been performed for this missense variant. However, the output from this modeling did not meet the statistical confidence thresholds required to predict the impact of this variant on EGFR protein function. In summary, the available evidence is currently insufficient to determine the role of this variant in disease. Therefore, it has been classified as a Variant of Uncertain Significance.

NM_005228.5(EGFR):c.1682A>G (p.Glu561Gly)

Gene: EGFR (epidermal growth factor receptor; plus strand). Cytogenetic location: 7p11.2.
Variant type: single nucleotide variant.
Coding change: c.1682A>G on transcript NM_005228.5 (MANE Select); coding-DNA position 1682, A replaced by G.
Protein change: p.Glu561Gly; replaces glutamic acid 561 with glycine.
Molecular consequence: missense variant.
Genome position (GRCh38, 1-based): chr7:55,163,783, A>G. VCF-style: chr7-55163783-A-G. GRCh37 (hg19) VCF-style: chr7-55231476-A-G.
Other names: c.1547A>G, p.Glu516Gly (NM_001346897.2, NM_001346899.2); c.1682A>G, p.Glu561Gly (NM_001346898.2, NM_201282.2, NM_201284.2); c.1523A>G, p.Glu508Gly (NM_001346900.2); c.881A>G, p.Glu294Gly (NM_001346941.2); short protein forms E294G, E516G, E508G, E561G.
Identifiers: ClinVar variation 1438395 (VCV001438395.6), dbSNP rs2128944720, ClinGen allele CA367580513.